The following is an entry in ClinVar:

ClinVar aggregate classification (germline): Conflicting classifications of pathogenicity. Review status: criteria provided, conflicting classifications (1 of 4 stars). 4 submissions from 4 submitters: Uncertain significance (1); Benign (2); Likely benign (1). Last evaluated 2025-08-29.

Allele frequency attached by ClinVar (database versions not stated): gnomAD exomes 0.00052; ExAC 0.00070; gnomAD 0.00188; 1000 Genomes Project 30x 0.00234; 1000 Genomes Project 0.00240; TOPMed 0.00250; ESP Exome Variant Server 0.00254.
gnomAD v4.1: 593 of 1,610,300 alleles (0.037%); highest among the groups gnomAD compares: African/African-American, 0.69%; 1 homozygote.

Submissions (4):

Ambry Genetics
Classification: Uncertain significance. Last evaluated: 2025-08-29. Review status: criteria provided, single submitter. Criteria: Ambry Variant Classification Scheme 2023. Collection method: clinical testing. Allele origin: germline.

CeGaT Center for Human Genetics Tuebingen
Classification: Likely benign. Last evaluated: 2024-07-01. Review status: criteria provided, single submitter. Criteria: CeGaT Center For Human Genetics Tuebingen Variant Classification Criteria Version 2. Collection method: clinical testing. Allele origin: germline. Affected: yes. Observed: 3 variant alleles.
Comment: DNAH7: BS2

Labcorp Genetics (formerly Invitae), Labcorp
Classification: Benign. Last evaluated: 2018-07-06. Review status: criteria provided, single submitter. Criteria: Invitae Variant Classification Sherloc (09022015). Collection method: clinical testing. Allele origin: germline.

Breakthrough Genomics
Classification: Benign. Review status: criteria provided, single submitter. Criteria: ACMG Guidelines, 2015. Collection method: not provided. Allele origin: germline. Inheritance: Unknown mechanism. Affected: yes.

NM_018897.3(DNAH7):c.9134C>G (p.Pro3045Arg)

Gene: DNAH7 (dynein axonemal heavy chain 7; minus strand). Cytogenetic location: 2q32.3.
Variant type: single nucleotide variant.
Coding change: c.9134C>G on transcript NM_018897.3 (MANE Select); coding-DNA position 9134, C replaced by G.
Protein change: p.Pro3045Arg; replaces proline 3045 with arginine.
Molecular consequence: missense variant.
Genome position (GRCh38, 1-based): chr2:195,824,412, G>C on the plus strand (C>G on the coding strand, the complement: DNAH7 is on the minus strand). VCF-style: chr2-195824412-G-C. GRCh37 (hg19) VCF-style: chr2-196689136-G-C.
Other names: short protein forms P3045R.
Identifiers: ClinVar variation 780858 (VCV000780858.29), dbSNP rs181561310, ClinGen allele CA2034448.
Genomic context (GRCh38, chr2:195,824,412, plus strand): 5'-CGGATACATGTACTCCCACCCTGCTTAAAGGTTTGTTTTAGTAGAAGAGGTTCCAAAATA[G>C]GATCTAGTTCTTCGCCAACATTTTCTAGCAACACTGGAGTAAAATCAGAAAAGATTTCAT-3'
Protein context (NP_061720.2, residues 3035-3055): LLENVGEELD[Pro3045Arg]ILEPLLLKQT